The following is an entry in ClinVar:

ClinVar aggregate classification (germline): Conflicting classifications of pathogenicity. Review status: criteria provided, conflicting classifications (1 of 4 stars). 5 submissions from 5 submitters: Uncertain significance (2); Likely benign (3). Last evaluated 2026-06-18.

Conditions:
POLG-related disorder. Also called: POLG-Related Spectrum Disorders; POLG-related condition; POLG-Related Disorders. Identifiers: MedGen C4763519.
Progressive sclerosing poliodystrophy (MTDPS4A). Also called: Alpers Syndrome; Mitochondrial DNA depletion syndrome 4A (Alpers type); ALPERS DIFFUSE DEGENERATION OF CEREBRAL GRAY MATTER WITH HEPATIC CIRRHOSIS; ALPERS PROGRESSIVE INFANTILE POLIODYSTROPHY; NEURONAL DEGENERATION OF CHILDHOOD WITH LIVER DISEASE, PROGRESSIVE; Alpers-Huttenlocher Syndrome. Identifiers: Orphanet 726, MedGen C0205710, MONDO:0008758, OMIM 203700.

Allele frequency attached by ClinVar (database versions not stated): gnomAD 0.00001; gnomAD exomes 0.00001 and 0.00005; TOPMed 0.00004; ExAC 0.00005.
gnomAD v4.1: 12 of 1,540,526 alleles (0.00078%); highest among the groups gnomAD compares: Admixed American, 0.02%; no homozygotes.

Submissions (5):

PreventionGenetics, part of Exact Sciences
Classification: Likely benign for POLG-related condition. Last evaluated: 2026-06-18. Review status: criteria provided, single submitter. Criteria: ACMG Guidelines, 2015. Collection method: clinical testing. Allele origin: germline.
Comment: This variant is classified as likely benign based on ACMG/AMP sequence variant interpretation guidelines (Richards et al. 2015 PMID: 25741868, with internal and published modifications).

Labcorp Genetics (formerly Invitae), Labcorp
Classification: Likely benign for Progressive sclerosing poliodystrophy. Last evaluated: 2025-07-30. Review status: criteria provided, single submitter. Criteria: Invitae Variant Classification Sherloc (09022015). Collection method: clinical testing. Allele origin: germline.

CeGaT Center for Human Genetics Tuebingen
Classification: Uncertain significance. Last evaluated: 2022-09-01. Review status: criteria provided, single submitter. Criteria: CeGaT Center For Human Genetics Tuebingen Variant Classification Criteria Version 2. Collection method: clinical testing. Allele origin: germline. Affected: yes. Observed: 1 variant allele.
Comment: POLG: PM2, BP4

GeneDx
Classification: Likely benign. Last evaluated: 2017-02-09. Review status: criteria provided, single submitter. Criteria: GeneDx Variant Classification (06012015). Collection method: clinical testing. Allele origin: germline. Affected: yes.
Comment: This variant is considered likely benign or benign based on one or more of the following criteria: it is a conservative change, it occurs at a poorly conserved position in the protein, it is predicted to be benign by multiple in silico algorithms, and/or has population frequency not consistent with disease.

Eurofins Ntd Llc (ga)
Classification: Uncertain significance. Last evaluated: 2015-03-06. Review status: criteria provided, single submitter. Criteria: EGL Classification Definitions 2015. Collection method: clinical testing. Allele origin: germline. Observed: 1 variant allele, 1 heterozygote.

NM_002693.3(POLG):c.603C>T (p.Val201=)

Genes: POLG (DNA polymerase gamma, catalytic subunit; minus strand), POLGARF (POLG alternative reading frame; minus strand). Cytogenetic location: 15q26.1.
Variant type: single nucleotide variant.
Coding change: c.603C>T on transcript NM_002693.3 (MANE Select); coding-DNA position 603, C replaced by T.
Protein change: p.Val201=; no amino-acid change (valine 201 retained).
Molecular consequence: synonymous variant.
Genome position (GRCh38, 1-based): chr15:89,333,152, G>A on the plus strand (C>T on the coding strand, the complement: POLG is on the minus strand). VCF-style: chr15-89333152-G-A. GRCh37 (hg19) VCF-style: chr15-89876383-G-A.
Other names: p.V201V:GTC>GTT; c.603C>T, p.Val201= (NM_001126131.2).
Identifiers: ClinVar variation 195178 (VCV000195178.45), dbSNP rs768005050, ClinGen allele CA241479.